The following is an entry in ClinVar:

ClinVar aggregate classification (germline): Uncertain significance (1 of 4 stars; one submission).

Conditions:
Retinoblastoma (RB1). Also called: RETINOBLASTOMA, SOMATIC. Identifiers: Orphanet 790, MedGen C0035335, MeSH D012175, MONDO:0008380, OMIM 180200, HP:0009919. Disease mechanism: loss of function. Inheritance: Both sporadic and heritable forms are tested..

gnomAD v4.1: 1 of 1,502,966 alleles (0.000067%); highest among the groups gnomAD compares: Non-Finnish European, 0.000088%; no homozygotes.

Submission:

Labcorp Genetics (formerly Invitae), Labcorp
Classification: Uncertain significance for Retinoblastoma. Last evaluated: 2025-01-26. Review status: criteria provided, single submitter. Criteria: Invitae Variant Classification Sherloc (09022015). Collection method: clinical testing. Allele origin: germline.
Comment: This sequence change replaces alanine, which is neutral and non-polar, with threonine, which is neutral and polar, at codon 15 of the RB1 protein (p.Ala15Thr). This variant is not present in population databases (gnomAD no frequency). This variant has not been reported in the literature in individuals affected with RB1-related conditions. An algorithm developed to predict the effect of missense changes on protein structure and function outputs the following: PolyPhen-2: "Not Available". The threonine amino acid residue is found in multiple mammalian species, which suggests that this missense change does not adversely affect protein function. In summary, the available evidence is currently insufficient to determine the role of this variant in disease. Therefore, it has been classified as a Variant of Uncertain Significance.

NM_000321.3(RB1):c.43G>A (p.Ala15Thr)

Gene: RB1 (RB transcriptional corepressor 1; plus strand). Cytogenetic location: 13q14.2.
Variant type: single nucleotide variant.
Coding change: c.43G>A on transcript NM_000321.3 (MANE Select); coding-DNA position 43, G replaced by A.
Protein change: p.Ala15Thr; replaces alanine 15 with threonine.
Molecular consequence: missense variant.
Genome position (GRCh38, 1-based): chr13:48,303,955, G>A. VCF-style: chr13-48303955-G-A. GRCh37 (hg19) VCF-style: chr13-48878091-G-A.
Other names: c.43G>A, p.Ala15Thr (NM_001407165.1, NM_001407166.1, NM_001407167.1); short protein forms A15T.
Identifiers: ClinVar variation 3669380 (VCV003669380.2).